The following is an entry in ClinVar:

ClinVar aggregate classification (germline): Benign. Review status: criteria provided, multiple submitters, no conflicts (2 of 4 stars). 8 submissions from 8 submitters: Benign (6). 2 of the submissions do not count toward it. Last evaluated 2026-02-04.

Conditions:
3-methylglutaconic aciduria with deafness, encephalopathy, and Leigh-like syndrome (MEGDEL). Also called: MEGDEL syndrome; 3-METHYLGLUTACONIC ACIDURIA, TYPE VI; SERAC1 Deficiency. Identifiers: Orphanet 352328, MedGen C4040739, MONDO:0013875, OMIM 614739.

Allele frequency attached by ClinVar (database versions not stated): 1000 Genomes Project 30x 0.39850; 1000 Genomes Project 0.40056; ESP Exome Variant Server 0.41341; gnomAD 0.42562 and 0.42998; TOPMed 0.43447; ExAC 0.47085; gnomAD exomes 0.48058.
gnomAD v4.1: 745,281 of 1,575,790 alleles (47%); highest among the groups gnomAD compares: Admixed American, 64%; 180,558 homozygotes.

Submissions (8):

Labcorp Genetics (formerly Invitae), Labcorp
Classification: Benign for 3-methylglutaconic aciduria with deafness, encephalopathy, and Leigh-like syndrome. Last evaluated: 2026-02-04. Review status: criteria provided, single submitter. Criteria: Invitae Variant Classification Sherloc (09022015). Collection method: clinical testing. Allele origin: germline.

Blueprint Genetics
Classification: Benign. Last evaluated: 2024-11-27. Review status: criteria provided, single submitter. Criteria: ACMG Guidelines, 2015. Collection method: clinical testing. Allele origin: germline.

Mayo Clinic Laboratories, Mayo Clinic
Classification: Benign. Last evaluated: 2022-05-05. Review status: criteria provided, single submitter. Criteria: ACMG Guidelines, 2015. Collection method: clinical testing. Allele origin: germline. Observed: 39 variant alleles.

Genome-Nilou Lab
Classification: Benign for 3-methylglutaconic aciduria with deafness, encephalopathy, and Leigh-like syndrome. Last evaluated: 2021-07-15. Review status: criteria provided, single submitter. Criteria: ACMG Guidelines, 2015. Collection method: clinical testing. Allele origin: germline. Affected: no.

Laboratory for Molecular Medicine, Mass General Brigham Personalized Medicine
Classification: Benign. Last evaluated: 2016-03-29. Review status: criteria provided, single submitter. Criteria: LMM Criteria. Collection method: clinical testing. Allele origin: germline.
Comment: Variant identified in a genome or exome case(s) and assessed due to predicted null impact of the variant or pathogenic assertions in the literature or databases. Disclaimer: This variant has not undergone full assessment. The following are preliminary notes: Frequency

GeneDx
Classification: Benign. Last evaluated: 2013-09-05. Review status: criteria provided, single submitter. Criteria: GeneDx Variant Classification (06012015). Collection method: clinical testing. Allele origin: germline. Affected: yes.
Comment: This variant is considered likely benign or benign based on one or more of the following criteria: it is a conservative change, it occurs at a poorly conserved position in the protein, it is predicted to be benign by multiple in silico algorithms, and/or has population frequency not consistent with disease.

Diagnostic Laboratory, Department of Genetics, University Medical Center Groningen
Classification: Benign. Review status: no assertion criteria provided. Collection method: clinical testing. Allele origin: germline. Affected: yes. Study: VKGL Data-share Consensus. Not counted in ClinVar's aggregate classification.

Joint Genome Diagnostic Labs from Nijmegen and Maastricht, Radboudumc and MUMC+
Classification: Benign. Review status: no assertion criteria provided. Collection method: clinical testing. Allele origin: germline. Affected: yes. Study: VKGL Data-share Consensus. Not counted in ClinVar's aggregate classification.

NM_032861.4(SERAC1):c.355+11A>G

Gene: SERAC1 (serine active site containing 1; minus strand). Cytogenetic location: 6q25.3.
Variant type: single nucleotide variant.
Coding change: c.355+11A>G on transcript NM_032861.4 (MANE Select); 11 bases into the intron after coding-DNA position 355, A replaced by G.
Molecular consequence: intron variant.
Genome position (GRCh38, 1-based): chr6:158,148,854, T>C on the plus strand (A>G on the coding strand, the complement: SERAC1 is on the minus strand). VCF-style: chr6-158148854-T-C. GRCh37 (hg19) VCF-style: chr6-158569886-T-C.
Other names: p.?.
Identifiers: ClinVar variation 139094 (VCV000139094.22), dbSNP rs9356399, ClinGen allele CA293466.